The following is an entry in ClinVar:

ClinVar aggregate classification (germline): Uncertain significance (1 of 4 stars; one submission).

Conditions:
Glycogen storage disease due to muscle and heart glycogen synthase deficiency. Also called: GSD 0b; MUSCLE GLYCOGEN SYNTHASE DEFICIENCY. Identifiers: Orphanet 137625, MedGen C1969054, MONDO:0012693, OMIM 611556.

Allele frequency attached by ClinVar (database versions not stated): gnomAD exomes below 0.00001.
gnomAD v4.1: 6 of 1,613,240 alleles (0.00037%); highest among the groups gnomAD compares: Non-Finnish European, 0.00051%; no homozygotes.

Submission:

Labcorp Genetics (formerly Invitae), Labcorp
Classification: Uncertain significance for Glycogen storage disease due to muscle and heart glycogen synthase deficiency. Last evaluated: 2022-05-24. Review status: criteria provided, single submitter. Criteria: Invitae Variant Classification Sherloc (09022015). Collection method: clinical testing. Allele origin: germline.
Comment: In summary, the available evidence is currently insufficient to determine the role of this variant in disease. Therefore, it has been classified as a Variant of Uncertain Significance. Algorithms developed to predict the effect of missense changes on protein structure and function are either unavailable or do not agree on the potential impact of this missense change (SIFT: "Tolerated"; PolyPhen-2: "Probably Damaging"; Align-GVGD: "Class C0"). ClinVar contains an entry for this variant (Variation ID: 964057). This variant has not been reported in the literature in individuals affected with GYS1-related conditions. This variant is not present in population databases (gnomAD no frequency). This sequence change replaces glycine, which is neutral and non-polar, with arginine, which is basic and polar, at codon 14 of the GYS1 protein (p.Gly14Arg).

NM_002103.5(GYS1):c.40G>C (p.Gly14Arg)

Gene: GYS1 (glycogen synthase 1; minus strand). Cytogenetic location: 19q13.33.
Variant type: single nucleotide variant.
Coding change: c.40G>C on transcript NM_002103.5 (MANE Select); coding-DNA position 40, G replaced by C.
Protein change: p.Gly14Arg; replaces glycine 14 with arginine.
Molecular consequence: missense variant. On other transcripts: non-coding transcript variant (1).
Genome position (GRCh38, 1-based): chr19:48,993,073, C>G on the plus strand (G>C on the coding strand, the complement: GYS1 is on the minus strand). VCF-style: chr19-48993073-C-G. GRCh37 (hg19) VCF-style: chr19-49496330-C-G.
Other names: c.40G>C, p.Gly14Arg (NM_001161587.2); short protein forms G14R.
Identifiers: ClinVar variation 964057 (VCV000964057.9), dbSNP rs753758690, ClinGen allele CA406767073.